The following is an entry in ClinVar:

NM_198576.4(AGRN):c.4217_4218del (p.Gln1406fs)

Gene: AGRN (agrin; plus strand). Cytogenetic location: 1p36.33.
Variant type: Deletion.
Coding change: c.4217_4218del on transcript NM_198576.4 (MANE Select); coding-DNA positions 4217 to 4218, 2 bases deleted (AG; older notation c.4217_4218delAG).
Protein change: p.Gln1406fs; shifts the reading frame from glutamine 1406.
Molecular consequence: frameshift variant.
Genome position (GRCh38, 1-based): chr1:1,048,978-1,048,979, AG deleted. VCF-style (leftmost placement, unchanged base first): chr1-1048977-CAG-C. GRCh37 (hg19) VCF-style: chr1-984357-CAG-C.
Other names: c.4217_4218del, p.Gln1406fs (NM_001305275.2); c.3902_3903del, p.Gln1301fs (NM_001364727.2); short protein forms Q1301fs, Q1406fs.
Identifiers: ClinVar variation 1322937 (VCV001322937.7), dbSNP rs770470615, ClinGen allele CA509358.

ClinVar aggregate classification (germline): Pathogenic/Likely pathogenic. Review status: criteria provided, multiple submitters, no conflicts (2 of 4 stars). 3 submissions from 3 submitters: Pathogenic (2); Likely pathogenic (1). Last evaluated 2024-08-02.

Conditions:
AGRN-related disorder. Also called: AGRN-related condition.
Congenital myasthenic syndrome 8. Also called: MYASTHENIC SYNDROME, CONGENITAL, DUE TO AGRIN DEFICIENCY; Myasthenic syndrome, congenital, 8, with pre- and postsynaptic defects. Identifiers: Orphanet 590, MedGen C3808739, MONDO:0014052, OMIM 615120.

Allele frequency attached by ClinVar (database versions not stated): TOPMed below 0.00001; gnomAD exomes 0.00001; ExAC 0.00004.

Submissions (3):

Labcorp Genetics (formerly Invitae), Labcorp
Classification: Pathogenic for Congenital myasthenic syndrome 8. Last evaluated: 2024-08-02. Review status: criteria provided, single submitter. Criteria: Invitae Variant Classification Sherloc (09022015). Collection method: clinical testing. Allele origin: germline.
Comment: This sequence change creates a premature translational stop signal (p.Gln1406Argfs*29) in the AGRN gene. It is expected to result in an absent or disrupted protein product. Loss-of-function variants in AGRN are known to be pathogenic (PMID: 24951643). This variant is present in population databases (rs770470615, gnomAD 0.007%). This premature translational stop signal has been observed in individual(s) with arthrogryposis multiplex congenita (PMID: 33820833). ClinVar contains an entry for this variant (Variation ID: 1322937). For these reasons, this variant has been classified as Pathogenic.

Blueprint Genetics
Classification: Likely pathogenic for AGRN-related disorders. Last evaluated: 2022-11-07. Review status: criteria provided, single submitter. Criteria: ACMG Guidelines, 2015. Collection method: clinical testing. Allele origin: germline. Affected: yes. Observed: 1 variant allele.

Revvity Omics, Revvity
Classification: Pathogenic for Congenital myasthenic syndrome 8. Last evaluated: 2021-11-09. Review status: criteria provided, single submitter. Criteria: ACMG Guidelines, 2015. Collection method: clinical testing. Allele origin: germline.

Literature cited by the submitters: PubMed 24951643 (cited by Labcorp Genetics (formerly Invitae), Labcorp); PubMed 33820833 (cited by Labcorp Genetics (formerly Invitae), Labcorp).